The following is an entry in ClinVar:

ClinVar aggregate classification (germline): Uncertain significance (1 of 4 stars; one submission).

Conditions:
Inborn genetic diseases. Identifiers: MedGen C0950123, MeSH D030342.

Submission:

Ambry Genetics
Classification: Uncertain significance for Inborn genetic diseases. Last evaluated: 2024-02-04. Review status: criteria provided, single submitter. Criteria: Ambry Variant Classification Scheme 2023. Collection method: clinical testing. Allele origin: germline.
Comment: The p.L281Q variant (also known as c.842T>A), located in coding exon 10 of the ERCC2 gene, results from a T to A substitution at nucleotide position 842. The leucine at codon 281 is replaced by glutamine, an amino acid with dissimilar properties. This amino acid position is conserved. In addition, this alteration is predicted to be deleterious by in silico analysis. Based on the available evidence, the clinical significance of this alteration remains unclear.

NM_000400.4(ERCC2):c.842T>A (p.Leu281Gln)

Gene: ERCC2 (ERCC excision repair 2, TFIIH core complex helicase subunit; minus strand). Cytogenetic location: 19q13.32.
Variant type: single nucleotide variant.
Coding change: c.842T>A on transcript NM_000400.4 (MANE Select); coding-DNA position 842, T replaced by A.
Protein change: p.Leu281Gln; replaces leucine 281 with glutamine.
Molecular consequence: missense variant.
Genome position (GRCh38, 1-based): chr19:45,364,093, A>T on the plus strand (T>A on the coding strand, the complement: ERCC2 is on the minus strand). VCF-style: chr19-45364093-A-T. GRCh37 (hg19) VCF-style: chr19-45867351-A-T.
Other names: c.770T>A, p.Leu257Gln (NM_001130867.2); short protein forms L257Q, L281Q.
Identifiers: ClinVar variation 3231714 (VCV003231714.1), dbSNP rs2514030144, ClinGen allele CA406373750.